The following is an entry in ClinVar:

NM_001126108.2(SLC12A3):c.1392C>A (p.Ala464=)

Gene: SLC12A3 (solute carrier family 12 member 3; plus strand). Cytogenetic location: 16q13.
Variant type: single nucleotide variant.
Coding change: c.1392C>A on transcript NM_001126108.2 (MANE Select); coding-DNA position 1392, C replaced by A.
Protein change: p.Ala464=; no amino-acid change (alanine 464 retained).
Molecular consequence: synonymous variant.
Genome position (GRCh38, 1-based): chr16:56,879,598, C>A. VCF-style: chr16-56879598-C-A. GRCh37 (hg19) VCF-style: chr16-56913510-C-A.
Other names: c.1392C>A, p.Ala464= (NM_000339.3); c.1389C>A, p.Ala463= (NM_001126107.2).
Identifiers: ClinVar variation 255878 (VCV000255878.21), dbSNP rs118121751, ClinGen allele CA8069453.

ClinVar aggregate classification (germline): Benign/Likely benign. Review status: criteria provided, multiple submitters, no conflicts (2 of 4 stars). 7 submissions from 7 submitters: Benign (3); Likely benign (3). 1 of the submissions does not count toward it. Last evaluated 2026-01-19.

Conditions:
Familial hypokalemia-hypomagnesemia (GTLMNS). Also called: gitelman syndrome; POTASSIUM AND MAGNESIUM DEPLETION; HYPOMAGNESEMIA-HYPOKALEMIA, PRIMARY RENOTUBULAR, WITH HYPOCALCIURIA. Identifiers: Orphanet 358, MedGen C0268450, MONDO:0009904, OMIM 263800.

Allele frequency attached by ClinVar (database versions not stated): ESP Exome Variant Server 0.00023; gnomAD exomes 0.00139 and 0.00407; gnomAD 0.00146 and 0.00172; TOPMed 0.00265; ExAC 0.00372; 1000 Genomes Project 30x 0.00453; 1000 Genomes Project 0.00479.
gnomAD v4.1: 2,294 of 1,613,798 alleles (0.14%); highest among the groups gnomAD compares: East Asian, 1.7%; 29 homozygotes.

Submissions (7):

Labcorp Genetics (formerly Invitae), Labcorp
Classification: Benign. Last evaluated: 2026-01-19. Review status: criteria provided, single submitter. Criteria: Invitae Variant Classification Sherloc (09022015). Collection method: clinical testing. Allele origin: germline.

Fulgent Genetics
Classification: Likely benign for Familial hypokalemia-hypomagnesemia. Last evaluated: 2021-08-10. Review status: criteria provided, single submitter. Criteria: ACMG Guidelines, 2015. Collection method: clinical testing. Allele origin: unknown.

Genome-Nilou Lab
Classification: Benign for Familial hypokalemia-hypomagnesemia. Last evaluated: 2021-07-15. Review status: criteria provided, single submitter. Criteria: ACMG Guidelines, 2015. Collection method: clinical testing. Allele origin: germline. Affected: no.

Illumina Laboratory Services, Illumina
Classification: Likely benign for Familial hypokalemia-hypomagnesemia. Last evaluated: 2018-01-13. Review status: criteria provided, single submitter. Criteria: ICSL Variant Classification Criteria 13 December 2019. Collection method: clinical testing. Allele origin: germline.
Comment: This variant was observed in the ICSL laboratory as part of a predisposition screen in an ostensibly healthy population. It had not been previously curated by ICSL or reported in the Human Gene Mutation Database (HGMD: prior to June 1st, 2018), and was therefore a candidate for classification through an automated scoring system. Utilizing variant allele frequency, disease prevalence and penetrance estimates, and inheritance mode, an automated score was calculated to assess if this variant is too frequent to cause the disease. Based on the score and internal cut-off values, a variant classified as likely benign is not then subjected to further curation. The score for this variant resulted in a classification of likely benign for this disease.

Breakthrough Genomics
Classification: Likely benign. Review status: criteria provided, single submitter. Criteria: ACMG Guidelines, 2015. Collection method: not provided. Allele origin: germline. Inheritance: Autosomal recessive inheritance. Affected: yes.

PreventionGenetics, part of Exact Sciences
Classification: Benign. Review status: criteria provided, single submitter. Criteria: ACMG Guidelines, 2015. Collection method: clinical testing. Allele origin: germline.

Natera, Inc.
Classification: Likely benign for Gitelman syndrome. Last evaluated: 2020-01-07. Review status: no assertion criteria provided. Collection method: clinical testing. Allele origin: germline. Not counted in ClinVar's aggregate classification.